The following is an entry in ClinVar:

NM_024426.6(WT1):c.307G>T (p.Gly103Cys)

Genes: WT1 (WT1 transcription factor; minus strand), LOC107982234 (WT1/WT1-AS bi-directional promoter region; plus strand). Cytogenetic location: 11p13.
Variant type: single nucleotide variant.
Coding change: c.307G>T on transcript NM_024426.6 (MANE Select); coding-DNA position 307, G replaced by T.
Protein change: p.Gly103Cys; replaces glycine 103 with cysteine.
Molecular consequence: missense variant. On other transcripts: non-coding transcript variant (1).
Genome position (GRCh38, 1-based): chr11:32,435,054, C>A on the plus strand (G>T on the coding strand, the complement: WT1 is on the minus strand). VCF-style: chr11-32435054-C-A. GRCh37 (hg19) VCF-style: chr11-32456600-C-A.
Other names: c.307G>T, p.Gly103Cys (NM_000378.6, NM_024424.5); short protein forms G103C.
Identifiers: ClinVar variation 543132 (VCV000543132.8), dbSNP rs1348287926, ClinGen allele CA379965959.

ClinVar aggregate classification (germline): Uncertain significance. Review status: criteria provided, multiple submitters, no conflicts (2 of 4 stars). 3 submissions from 3 submitters: Uncertain significance (3). Last evaluated 2024-12-15.

Conditions:
Inborn genetic diseases. Identifiers: MedGen C0950123, MeSH D030342.
Wilms tumor 1 (WT1). Also called: Wilms tumor, somatic. Identifiers: Orphanet 654, MedGen CN033288, MONDO:0008679, OMIM 194070.
11p partial monosomy syndrome (WAGR). Also called: CHROMOSOME 11p13 DELETION SYNDROME; WAGR Spectrum Disorder; WAGR syndrome; WAGR Complex. Identifiers: Orphanet 893, MedGen C0206115, MONDO:0008681, OMIM 194072.
Frasier syndrome. Identifiers: Orphanet 347, MedGen C0950122, MeSH D052159, MONDO:0007635, OMIM 136680.
Drash syndrome (DDS). Also called: NEPHROPATHY, WILMS TUMOR, AND GENITAL ANOMALIES; WILMS TUMOR AND PSEUDO- OR TRUE HERMAPHRODITISM. Identifiers: Orphanet 220, MedGen C0950121, MONDO:0008682, OMIM 194080.

gnomAD v4.1: 3 of 1,466,444 alleles (0.0002%); highest among the groups gnomAD compares: Admixed American, 0.0052%; no homozygotes.

Submissions (3):

Ambry Genetics
Classification: Uncertain significance for Inborn genetic diseases. Last evaluated: 2024-12-15. Review status: criteria provided, single submitter. Criteria: Ambry Variant Classification Scheme 2023. Collection method: clinical testing. Allele origin: germline.
Comment: The p.G98C variant (also known as c.292G>T), located in coding exon 1 of the WT1 gene, results from a G to T substitution at nucleotide position 292. The glycine at codon 98 is replaced by cysteine, an amino acid with highly dissimilar properties. This amino acid position is conserved. In addition, the in silico prediction for this alteration is inconclusive. Based on the available evidence, the clinical significance of this variant remains unclear.

All of Us Research Program, National Institutes of Health
Classification: Uncertain significance for Wilms tumor 1. Last evaluated: 2023-08-15. Review status: criteria provided, single submitter. Criteria: ACMG Guidelines, 2015. Collection method: clinical testing. Allele origin: germline. Inheritance: Autosomal dominant inheritance. Observed: 1 variant allele, 1 heterozygote.
Comment: This missense variant replaces glycine with cysteine at codon 98 of the WT1 protein. Computational prediction suggests that this variant may not impact protein structure and function (internally defined REVEL score threshold <= 0.5, PMID: 27666373). To our knowledge, functional studies have not been reported for this variant. This variant has not been reported in individuals affected with WT1-related disorders in the literature. This variant has not been identified in the general population by the Genome Aggregation Database (gnomAD). The available evidence is insufficient to determine the role of this variant in disease conclusively. Therefore, this variant is classified as a Variant of Uncertain Significance.

This study involves interpretation of variants in research participants for the purpose of population health screening. Participant phenotype was not available at the time of variant classification. Additional details can be found in publication PMID: 35346344, PMCID: PMC8962531

Labcorp Genetics (formerly Invitae), Labcorp
Classification: Uncertain significance for Wilms tumor 1; Drash syndrome; 11p partial monosomy syndrome; Frasier syndrome. Last evaluated: 2022-05-30. Review status: criteria provided, single submitter. Criteria: Invitae Variant Classification Sherloc (09022015). Collection method: clinical testing. Allele origin: germline.
Comment: This sequence change replaces glycine, which is neutral and non-polar, with cysteine, which is neutral and slightly polar, at codon 98 of the WT1 protein (p.Gly98Cys). The frequency data for this variant in the population databases is considered unreliable, as metrics indicate poor data quality at this position in the gnomAD database. This variant has not been reported in the literature in individuals affected with WT1-related conditions. ClinVar contains an entry for this variant (Variation ID: 543132). Algorithms developed to predict the effect of missense changes on protein structure and function are either unavailable or do not agree on the potential impact of this missense change (SIFT: "Deleterious"; PolyPhen-2: "Probably Damaging"; Align-GVGD: "Class C0"). In summary, the available evidence is currently insufficient to determine the role of this variant in disease. Therefore, it has been classified as a Variant of Uncertain Significance.